The following is an entry in ClinVar:

NM_173728.4(ARHGEF15):c.2439C>G (p.His813Gln)

Gene: ARHGEF15 (Rho guanine nucleotide exchange factor 15; plus strand). Cytogenetic location: 17p13.1.
Variant type: single nucleotide variant.
Coding change: c.2439C>G on transcript NM_173728.4 (MANE Select); coding-DNA position 2439, C replaced by G.
Protein change: p.His813Gln; replaces histidine 813 with glutamine.
Molecular consequence: missense variant.
Genome position (GRCh38, 1-based): chr17:8,320,906, C>G. VCF-style: chr17-8320906-C-G. GRCh37 (hg19) VCF-style: chr17-8224224-C-G.
Other names: c.2439C>G, p.His813Gln (NM_025014.2); c.2439C>G (NM_173728.3); short protein forms H813Q.
Identifiers: ClinVar variation 1020609 (VCV001020609.8), dbSNP rs200425815, ClinGen allele CA8375534.
Genomic context (GRCh38, chr17:8,320,906, plus strand): 5'-GCTGAAGGGGCTTCCTGGGGCCTTCCCTGCCCAGCTGGTGTGTGAAGTCACAGGGGAACA[C>G]GAAAGGAGGAGGCACCTTCGCCAGAACCAGAGGCTTCTCGAGGCTGTTGGATCTTCTTCA-3'
Protein context (NP_776089.2, residues 803-823): AQLVCEVTGE[His813Gln]ERRRHLRQNQ

ClinVar aggregate classification (germline): Uncertain significance. Review status: criteria provided, multiple submitters, no conflicts (2 of 4 stars). 2 submissions from 2 submitters: Uncertain significance (2). Last evaluated 2025-08-15.

Conditions:
Early-infantile DEE. Also called: Early infantile epileptic encephalopathy with suppression bursts; Early infantile epileptic encephalopathy; Ohtahara syndrome. Identifiers: Orphanet 1934, MedGen C0393706, MONDO:0800491.

Allele frequency attached by ClinVar (database versions not stated): TOPMed 0.00012; ESP Exome Variant Server 0.00008.
gnomAD v4.1: 348 of 1,613,834 alleles (0.022%); highest among the groups gnomAD compares: Non-Finnish European, 0.026%; 1 homozygote.

Submissions (2):

Labcorp Genetics (formerly Invitae), Labcorp
Classification: Uncertain significance for Early-infantile DEE. Last evaluated: 2025-08-15. Review status: criteria provided, single submitter. Criteria: Invitae Variant Classification Sherloc (09022015). Collection method: clinical testing. Allele origin: germline.
Comment: This sequence change replaces histidine, which is basic and polar, with glutamine, which is neutral and polar, at codon 813 of the ARHGEF15 protein (p.His813Gln). This variant is present in population databases (rs200425815, gnomAD 0.05%), and has an allele count higher than expected for a pathogenic variant. This variant has not been reported in the literature in individuals affected with ARHGEF15-related conditions. ClinVar contains an entry for this variant (Variation ID: 1020609). An algorithm developed to predict the effect of missense changes on protein structure and function (PolyPhen-2) suggests that this variant is likely to be tolerated. In summary, the available evidence is currently insufficient to determine the role of this variant in disease. Therefore, it has been classified as a Variant of Uncertain Significance.

Ambry Genetics
Classification: Uncertain significance. Last evaluated: 2024-08-07. Review status: criteria provided, single submitter. Criteria: Ambry Variant Classification Scheme 2023. Collection method: clinical testing. Allele origin: germline.